The following is an entry in ClinVar:

ClinVar aggregate classification (germline): Uncertain significance (1 of 4 stars; one submission).

Conditions:
GPBAR1-related disorder. Also called: GPBAR1-related condition.

Submission:

PreventionGenetics, part of Exact Sciences
Classification: Uncertain significance for GPBAR1-related condition. Last evaluated: 2025-03-10. Review status: criteria provided, single submitter. Criteria: ACMG Guidelines, 2015. Collection method: clinical testing. Allele origin: germline.
Comment: The GPBAR1 c.920C>A variant is predicted to result in the amino acid substitution p.Ser307Tyr. To our knowledge, this variant has not been reported in the literature or in a large population database (gnomAD), indicating this variant is rare. At this time, the clinical significance of this variant is uncertain due to the absence of conclusive functional and genetic evidence.

NM_170699.3(GPBAR1):c.920C>A (p.Ser307Tyr)

Gene: GPBAR1 (G protein-coupled bile acid receptor 1; plus strand). Cytogenetic location: 2q35.
Variant type: single nucleotide variant.
Coding change: c.920C>A on transcript NM_170699.3 (MANE Select); coding-DNA position 920, C replaced by A.
Protein change: p.Ser307Tyr; replaces serine 307 with tyrosine.
Molecular consequence: missense variant.
Genome position (GRCh38, 1-based): chr2:218,263,644, C>A. VCF-style: chr2-218263644-C-A. GRCh37 (hg19) VCF-style: chr2-219128367-C-A.
Other names: c.920C>A, p.Ser307Tyr (NM_001077191.2, NM_001077194.2, NM_001321950.2); short protein forms S307Y.
Identifiers: ClinVar variation 5002220 (VCV005002220.1).